The following is an entry in ClinVar:

NM_139276.3(STAT3):c.1749-4C>A

Gene: STAT3 (signal transducer and activator of transcription 3; minus strand). Cytogenetic location: 17q21.2.
Variant type: single nucleotide variant.
Coding change: c.1749-4C>A on transcript NM_139276.3 (MANE Select); 4 bases into the intron before coding-DNA position 1749, C replaced by A.
Molecular consequence: intron variant.
Genome position (GRCh38, 1-based): chr17:42,323,147, G>T on the plus strand (C>A on the coding strand, the complement: STAT3 is on the minus strand). VCF-style: chr17-42323147-G-T. GRCh37 (hg19) VCF-style: chr17-40475165-G-T.
Other names: c.1653-4C>A (NM_001384989.1); c.1689-4C>A (NM_001384992.1); c.1665-4C>A (NM_001384984.1); c.1749-4C>A (NM_001369519.1, NM_003150.4, NM_001369517.1 and 9 more transcripts); c.1671-4C>A (NM_001384985.1); c.1728-4C>A (NM_001384987.1); c.1722-4C>A (NM_001384991.1); c.1764-4C>A (NM_001384986.1, NM_001384990.1).
Identifiers: ClinVar variation 3377808 (VCV003377808.1).
Genomic context (GRCh38, chr17:42,323,147, plus strand): 5'-GGCTTAGTGCTCAAGATGGCCCGCTCCCGCTCCTTACTGATAAAGCCCATGATGTACCTG[G>T]AGCCAAGGAGGAGGAACAATGTTGTTATTGCTAACAGGGCATCCATCCCCTGCCACTGGC-3'

ClinVar aggregate classification (germline): Uncertain significance (1 of 4 stars; one submission).

Conditions:
STAT3-related early-onset multisystem autoimmune disease. Also called: Autoimmune disease, multisystem, infantile-onset, 1. Identifiers: Orphanet 438159, MedGen C4014795, MONDO:0014414, OMIM 615952.

Submission:

St. Jude Molecular Pathology, St. Jude Children's Research Hospital
Classification: Uncertain significance for STAT3-related early-onset multisystem autoimmune disease. Last evaluated: 2024-04-26. Review status: criteria provided, single submitter. Criteria: St. Jude Assertion Criteria 2020. Collection method: clinical testing. Allele origin: germline.
Comment: The STAT3 c.1749-4C>A intronic change results in a C to A substitution at the -4 position of intron 19 of the STAT3 gene. Algorithms that predict the impact of sequence changes on splicing indicate that this variant does not affect splicing, but to our knowledge these predictions have not been confirmed by RNA studies. This variant is absent in gnomAD v2.1.1. To our knowledge, this variant has not been reported in individuals with STAT3-related conditions. In summary, the evidence currently available is insufficient to determine the clinical significance of this variant. It has therefore been classified as of uncertain significance.